The following is an entry in ClinVar:

NM_014727.3(KMT2B):c.5150G>A (p.Arg1717Gln)

Gene: KMT2B (lysine methyltransferase 2B; plus strand). Cytogenetic location: 19q13.12.
Variant type: single nucleotide variant.
Coding change: c.5150G>A on transcript NM_014727.3 (MANE Select); coding-DNA position 5150, G replaced by A.
Protein change: p.Arg1717Gln; replaces arginine 1717 with glutamine.
Molecular consequence: missense variant.
Genome position (GRCh38, 1-based): chr19:35,730,415, G>A. VCF-style: chr19-35730415-G-A. GRCh37 (hg19) VCF-style: chr19-36221316-G-A.
Other names: short protein forms R1717Q.
Identifiers: ClinVar variation 3776063 (VCV003776063.1).

ClinVar aggregate classification (germline): Uncertain significance (1 of 4 stars; one submission).

Conditions:
Intellectual developmental disorder, autosomal dominant 68 (MRD68). Also called: MENTAL RETARDATION, AUTOSOMAL DOMINANT 68. Identifiers: MedGen C5677008, MONDO:0030969, OMIM 619934.

gnomAD v4.1: 1 of 1,613,792 alleles (0.000062%); highest among the groups gnomAD compares: Non-Finnish European, 0.000085%; no homozygotes.

Submission:

3billion
Classification: Uncertain significance for Intellectual developmental disorder, autosomal dominant 68. Last evaluated: 2023-12-26. Review status: criteria provided, single submitter. Criteria: ACMG Guidelines, 2015. Collection method: clinical testing. Allele origin: germline. Affected: yes.
Comment: The variant is not observed in the gnomAD v2.1.1 dataset. Predicted Consequence/Location: Missense variant In silico tool predictions suggest damaging effect of the variant on gene or gene product [REVEL: 0.69 (>=0.6, sensitivity 0.68 and specificity 0.92)]. Therefore, this variant is classified as VUS according to the recommendation of ACMG/AMP guideline.